The following is an entry in ClinVar:

ClinVar aggregate classification (germline): Uncertain significance. Review status: criteria provided, multiple submitters, no conflicts (2 of 4 stars). 2 submissions from 2 submitters: Uncertain significance (2). Last evaluated 2025-07-30.

Conditions:
Hereditary cancer-predisposing syndrome. Also called: Tumor predisposition; Neoplastic Syndromes, Hereditary; Hereditary neoplastic syndrome; Hereditary Cancer Syndrome. Identifiers: Orphanet 140162, MedGen C0027672, MeSH D009386, MONDO:0015356.

Allele frequency attached by ClinVar (database versions not stated): gnomAD exomes below 0.00001; TOPMed below 0.00001; gnomAD 0.00001.
gnomAD v4.1: 2 of 1,614,090 alleles (0.00012%); highest among the groups gnomAD compares: Non-Finnish European, 0.00017%; no homozygotes.

Submissions (2):

Labcorp Genetics (formerly Invitae), Labcorp
Classification: Uncertain significance. Last evaluated: 2025-07-30. Review status: criteria provided, single submitter. Criteria: Invitae Variant Classification Sherloc (09022015). Collection method: clinical testing. Allele origin: germline.
Comment: This sequence change replaces serine, which is neutral and polar, with glycine, which is neutral and non-polar, at codon 1055 of the POLE protein (p.Ser1055Gly). This variant is not present in population databases (gnomAD no frequency). This variant has not been reported in the literature in individuals affected with POLE-related conditions. ClinVar contains an entry for this variant (Variation ID: 848353). Invitae Evidence Modeling of protein sequence and biophysical properties (such as structural, functional, and spatial information, amino acid conservation, physicochemical variation, residue mobility, and thermodynamic stability) indicates that this missense variant is expected to disrupt POLE protein function with a positive predictive value of 80%. In summary, the available evidence is currently insufficient to determine the role of this variant in disease. Therefore, it has been classified as a Variant of Uncertain Significance.

Ambry Genetics
Classification: Uncertain significance for Hereditary cancer-predisposing syndrome. Last evaluated: 2025-07-03. Review status: criteria provided, single submitter. Criteria: Ambry Variant Classification Scheme 2023. Collection method: clinical testing. Allele origin: germline.
Comment: The p.S1055G variant (also known as c.3163A>G), located in coding exon 26 of the POLE gene, results from an A to G substitution at nucleotide position 3163. The serine at codon 1055 is replaced by glycine, an amino acid with similar properties. This amino acid position is highly conserved in available vertebrate species. In addition, the in silico prediction for this alteration is inconclusive. Based on the available evidence, the clinical significance of this variant remains unclear.

NM_006231.4(POLE):c.3163A>G (p.Ser1055Gly)

Gene: POLE (DNA polymerase epsilon, catalytic subunit; minus strand). Cytogenetic location: 12q24.33.
Variant type: single nucleotide variant.
Coding change: c.3163A>G on transcript NM_006231.4 (MANE Select); coding-DNA position 3163, A replaced by G.
Protein change: p.Ser1055Gly; replaces serine 1055 with glycine.
Molecular consequence: missense variant.
Genome position (GRCh38, 1-based): chr12:132,659,407, T>C on the plus strand (A>G on the coding strand, the complement: POLE is on the minus strand). VCF-style: chr12-132659407-T-C. GRCh37 (hg19) VCF-style: chr12-133235993-T-C.
Other names: c.3163A>G (NM_006231.2); short protein forms S1055G.
Identifiers: ClinVar variation 848353 (VCV000848353.8), dbSNP rs1184261260, ClinGen allele CA387390872.
Genomic context (GRCh38, chr12:132,659,407, plus strand): 5'-TCAGCCCTGCATCCTTGACCATCTGGTCTCCCAGGAACTCGGCCAGGCGCTTTGCTGTGC[T>C]GATGGACGTAGACTTCTGCTCCCCGTAATCTTCCAGCTTCCGAGACATGGAACGGTTCTC-3'
Protein context (NP_006222.2, residues 1045-1065): DYGEQKSTSI[Ser1055Gly]TAKRLAEFLG